The following is an entry in ClinVar:

ClinVar aggregate classification (germline): Uncertain significance (1 of 4 stars; one submission).

Conditions:
Cardiovascular phenotype. Identifiers: MedGen CN230736.

gnomAD v4.1: 1 of 1,613,736 alleles (0.000062%); highest among the groups gnomAD compares: African/African-American, 0.0013%; no homozygotes.

Submission:

Ambry Genetics
Classification: Uncertain significance for Cardiovascular phenotype. Last evaluated: 2023-08-29. Review status: criteria provided, single submitter. Criteria: Ambry Variant Classification Scheme 2023. Collection method: clinical testing. Allele origin: germline.
Comment: The p.L118V variant (also known as c.352C>G), located in coding exon 2 of the SCN10A gene, results from a C to G substitution at nucleotide position 352. The leucine at codon 118 is replaced by valine, an amino acid with highly similar properties. This amino acid position is conserved. In addition, this alteration is predicted to be tolerated by in silico analysis. Since supporting evidence is limited at this time, the clinical significance of this alteration remains unclear.

NM_006514.4(SCN10A):c.352C>G (p.Leu118Val)

Gene: SCN10A (sodium voltage-gated channel alpha subunit 10; minus strand). Cytogenetic location: 3p22.2.
Variant type: single nucleotide variant.
Coding change: c.352C>G on transcript NM_006514.4 (MANE Select); coding-DNA position 352, C replaced by G.
Protein change: p.Leu118Val; replaces leucine 118 with valine.
Molecular consequence: missense variant.
Genome position (GRCh38, 1-based): chr3:38,792,087, G>C on the plus strand (C>G on the coding strand, the complement: SCN10A is on the minus strand). VCF-style: chr3-38792087-G-C. GRCh37 (hg19) VCF-style: chr3-38833578-G-C.
Other names: c.352C>G, p.Leu118Val (NM_001293306.2, NM_001293307.2); short protein forms L118V.
Identifiers: ClinVar variation 2625776 (VCV002625776.2), dbSNP rs989355332, ClinGen allele CA352160853.
Genomic context (GRCh38, chr3:38,792,087, plus strand): 5'-AGAGGCAATCGTGCAAAGGATATGAGTGGACAGACACTTTGATGGCCGTTCTTCTGATCA[G>C]GTTGAAAGGACTGAATAGCCACAGGGCCCGAGTGGCACTAAACCGGGAAATGGTCCTCCC-3'
Protein context (NP_006505.4, residues 108-128): RALWLFSPFN[Leu118Val]IRRTAIKVSV